The following is an entry in ClinVar:

ClinVar aggregate classification (germline): Uncertain significance (1 of 4 stars; one submission).

Allele frequency attached by ClinVar (database versions not stated): gnomAD exomes below 0.00001.
gnomAD v4.1: 2 of 1,518,182 alleles (0.00013%); highest among the groups gnomAD compares: Non-Finnish European, 0.00018%; no homozygotes.

Submission:

GeneDx
Classification: Uncertain significance. Last evaluated: 2022-07-22. Review status: criteria provided, single submitter. Criteria: GeneDx Variant Classification Process June 2021. Collection method: clinical testing. Allele origin: germline. Affected: yes.
Comment: Not observed at significant frequency in large population cohorts (gnomAD); In silico analysis supports that this missense variant has a deleterious effect on protein structure/function; Has not been previously published as pathogenic or benign to our knowledge

NM_001378609.3(OTOGL):c.1478C>G (p.Thr493Ser)

Gene: OTOGL (otogelin like; plus strand). Cytogenetic location: 12q21.31.
Variant type: single nucleotide variant.
Coding change: c.1478C>G on transcript NM_001378609.3 (MANE Select); coding-DNA position 1478, C replaced by G.
Protein change: p.Thr493Ser; replaces threonine 493 with serine.
Molecular consequence: missense variant.
Genome position (GRCh38, 1-based): chr12:80,255,076, C>G. VCF-style: chr12-80255076-C-G. GRCh37 (hg19) VCF-style: chr12-80648856-C-G.
Other names: c.1478C>G, p.Thr493Ser (NM_001368062.3, NM_001378610.3, NM_173591.7); short protein forms T493S.
Identifiers: ClinVar variation 2412859 (VCV002412859.3), dbSNP rs1817668869, ClinGen allele CA385853293.